The following is an entry in ClinVar:

NM_080680.3(COL11A2):c.2537G>A (p.Arg846Gln)

Gene: COL11A2 (collagen type XI alpha 2 chain; minus strand). Cytogenetic location: 6p21.32.
Variant type: single nucleotide variant.
Coding change: c.2537G>A on transcript NM_080680.3 (MANE Select); coding-DNA position 2537, G replaced by A.
Protein change: p.Arg846Gln; replaces arginine 846 with glutamine.
Molecular consequence: missense variant.
Genome position (GRCh38, 1-based): chr6:33,173,919, C>T on the plus strand (G>A on the coding strand, the complement: COL11A2 is on the minus strand). VCF-style: chr6-33173919-C-T. GRCh37 (hg19) VCF-style: chr6-33141696-C-T.
Other names: c.2216G>A, p.Arg739Gln (NM_080679.3); c.2279G>A, p.Arg760Gln (NM_080681.3); short protein forms R739Q, R760Q, R846Q.
Identifiers: ClinVar variation 1254436 (VCV001254436.7), dbSNP rs1184127849, ClinGen allele CA363643146.
Genomic context (GRCh38, chr6:33,173,919, plus strand): 5'-TAGAGACCATTCACCTTAGCTCCAGACTTCCCAGTGGCACCTCGGGGTCCCCGCTGACCC[C>T]GTGGACCCTACAGAGGGAAGAGGAGTTGTCAGAGAAACCCAAATGCCCCCCTCTGGACCT-3'
Protein context (NP_542411.2, residues 836-856): PRGERGPTGP[Arg846Gln]GQRGPRGATG

ClinVar aggregate classification (germline): Uncertain significance. Review status: criteria provided, multiple submitters, no conflicts (2 of 4 stars). 2 submissions from 2 submitters: Uncertain significance (2). Last evaluated 2024-10-11.

Allele frequency attached by ClinVar (database versions not stated): gnomAD exomes below 0.00001; gnomAD 0.00001; TOPMed 0.00001.

Submissions (2):

Labcorp Genetics (formerly Invitae), Labcorp
Classification: Uncertain significance. Last evaluated: 2024-10-11. Review status: criteria provided, single submitter. Criteria: Invitae Variant Classification Sherloc (09022015). Collection method: clinical testing. Allele origin: germline.
Comment: This sequence change replaces arginine, which is basic and polar, with glutamine, which is neutral and polar, at codon 846 of the COL11A2 protein (p.Arg846Gln). This variant is not present in population databases (gnomAD no frequency). This variant has not been reported in the literature in individuals affected with COL11A2-related conditions. ClinVar contains an entry for this variant (Variation ID: 1254436). Invitae Evidence Modeling of protein sequence and biophysical properties (such as structural, functional, and spatial information, amino acid conservation, physicochemical variation, residue mobility, and thermodynamic stability) indicates that this missense variant is not expected to disrupt COL11A2 protein function with a negative predictive value of 95%. In summary, the available evidence is currently insufficient to determine the role of this variant in disease. Therefore, it has been classified as a Variant of Uncertain Significance.

GeneDx
Classification: Uncertain significance. Last evaluated: 2021-03-03. Review status: criteria provided, single submitter. Criteria: GeneDx Variant Classification Process June 2021. Collection method: clinical testing. Allele origin: germline. Affected: yes.
Comment: Not observed in large population cohorts (Lek et al., 2016); In silico analysis supports that this missense variant has a deleterious effect on protein structure/function; Has not been previously published as pathogenic or benign to our knowledge